The following is an entry in ClinVar:

NM_001348716.2(KDM6B):c.550-5C>T

Gene: KDM6B (lysine demethylase 6B; plus strand). Cytogenetic location: 17p13.1.
Variant type: single nucleotide variant.
Coding change: c.550-5C>T on transcript NM_001348716.2 (MANE Select); 5 bases into the intron before coding-DNA position 550, C replaced by T.
Molecular consequence: intron variant.
Genome position (GRCh38, 1-based): chr17:7,846,574, C>T. VCF-style: chr17-7846574-C-T. GRCh37 (hg19) VCF-style: chr17-7749892-C-T.
Other names: c.550-5C>T (NM_001080424.2).
Identifiers: ClinVar variation 3375347 (VCV003375347.3).
Genomic context (GRCh38, chr17:7,846,574, plus strand): 5'-TTAGGGAGGAGAGCCAGGCTGTGCCTGCACCCGTGCCATTTTCTCTTCTCTCTTTTTGTT[C>T]TCAGCACAAACGGAACTATGGAGCCAAGCGGGGAGGTCCCCCGGTGAAGCGAGCTGCTGA-3'

ClinVar aggregate classification (germline): Likely benign. Review status: criteria provided, multiple submitters, no conflicts (2 of 4 stars). 2 submissions from 2 submitters: Likely benign (2). Last evaluated 2026-03-24.

gnomAD v4.1: 7 of 1,614,048 alleles (0.00043%); highest among the groups gnomAD compares: South Asian, 0.0033%; no homozygotes.

Submissions (2):

Women's Health and Genetics/Laboratory Corporation of America, LabCorp
Classification: Likely benign. Last evaluated: 2026-03-24. Review status: criteria provided, single submitter. Criteria: LabCorp Variant Classification Summary - May 2015. Collection method: clinical testing. Allele origin: germline.
Comment: Variant summary: KDM6B c.550-5C>T alters a nucleotide located at a position not widely known to affect splicing. Consensus agreement among computation tools predict no significant impact on normal splicing. However, these predictions have yet to be confirmed by functional studies. The variant was absent in 250062 control chromosomes. The available data on variant occurrences in the general population are insufficient to allow any conclusion about variant significance. To our knowledge, no occurrence of c.550-5C>T in individuals affected with KDM6B-related conditions and no experimental evidence demonstrating its impact on protein function have been reported. ClinVar contains an entry for this variant (Variation ID: 3375347). Based on the evidence outlined above, the variant was classified as likely benign.

Blueprint Genetics
Classification: Likely benign. Last evaluated: 2019-10-06. Review status: criteria provided, single submitter. Criteria: ACMG Guidelines, 2015. Collection method: clinical testing. Allele origin: germline.